The following is an entry in ClinVar:

NM_015662.3(IFT172):c.4745T>C (p.Ile1582Thr)

Genes: IFT172 (intraflagellar transport 172; minus strand), KRTCAP3 (keratinocyte associated protein 3; plus strand). Cytogenetic location: 2p23.3.
Variant type: single nucleotide variant.
Coding change: c.4745T>C on transcript NM_015662.3 (MANE Select); coding-DNA position 4745, T replaced by C.
Protein change: p.Ile1582Thr; replaces isoleucine 1582 with threonine.
Molecular consequence: missense variant. On other transcripts: intron variant (1).
Genome position (GRCh38, 1-based): chr2:27,446,270, A>G on the plus strand (T>C on the coding strand, the complement: IFT172 is on the minus strand). VCF-style: chr2-27446270-A-G. GRCh37 (hg19) VCF-style: chr2-27669137-A-G.
Other names: c.4679T>C, p.Ile1560Thr (NM_001410739.1); c.*6-31A>G (NM_001168364.2); short protein forms I1582T, I1560T.
Identifiers: ClinVar variation 379765 (VCV000379765.39), dbSNP rs61742074, ClinGen allele CA1579508.
Genomic context (GRCh38, chr2:27,446,270, plus strand): 5'-CAACCTTTAACTTCCTCCTATCTGCCCCACCCTTCCTTGTCCCAGCTCACCTTGGCAGCA[A>G]TGCCTGCTTCATAGAAGGCTTTGTCTACAGGTAGTAGCTGGGTGTGACGCAAGAGTGAAA-3'
Protein context (NP_056477.1, residues 1572-1592): PVDKAFYEAG[Ile1582Thr]AAKAVGWDNM

ClinVar aggregate classification (germline): Benign. Review status: criteria provided, multiple submitters, no conflicts (2 of 4 stars). 5 submissions from 5 submitters: Benign (5). Last evaluated 2026-09-01.

Conditions:
Short-rib thoracic dysplasia 10 with or without polydactyly (SRTD10). Identifiers: Orphanet 474, MedGen C3810175, MONDO:0014284, OMIM 615630.
Retinitis pigmentosa 71 (RP71). Identifiers: Orphanet 791, MedGen C4225342, MONDO:0014618, OMIM 616394.

Allele frequency attached by ClinVar (database versions not stated): gnomAD exomes 0.00768 and 0.01158; ExAC 0.00842; 1000 Genomes Project 30x 0.00453; TOPMed 0.00704; 1000 Genomes Project 0.00439; gnomAD 0.00712 and 0.00722; ESP Exome Variant Server 0.00861.
gnomAD v4.1: 17,798 of 1,614,106 alleles (1.1%); highest among the groups gnomAD compares: Non-Finnish European, 1.4%; 134 homozygotes.

Submissions (5):

CeGaT Center for Human Genetics Tuebingen
Classification: Benign. Last evaluated: 2026-09-01. Review status: criteria provided, single submitter. Criteria: CeGaT Center For Human Genetics Tuebingen Variant Classification Criteria Version 2. Collection method: clinical testing. Allele origin: germline. Affected: yes. Observed: 29 variant alleles.
Comment: KRTCAP3: BS1, BS2; IFT172: BP4, BS1, BS2

Labcorp Genetics (formerly Invitae), Labcorp
Classification: Benign for Retinitis pigmentosa 71; Short-rib thoracic dysplasia 10 with or without polydactyly. Last evaluated: 2026-02-03. Review status: criteria provided, single submitter. Criteria: Invitae Variant Classification Sherloc (09022015). Collection method: clinical testing. Allele origin: germline.

Genetic Services Laboratory, University of Chicago
Classification: Benign. Last evaluated: 2018-02-21. Review status: criteria provided, single submitter. Criteria: ACMG Guidelines, 2015. Collection method: clinical testing. Allele origin: germline. Affected: no.

GeneDx
Classification: Benign. Last evaluated: 2017-01-17. Review status: criteria provided, single submitter. Criteria: GeneDx Variant Classification (06012015). Collection method: clinical testing. Allele origin: germline. Affected: yes.
Comment: This variant is considered likely benign or benign based on one or more of the following criteria: it is a conservative change, it occurs at a poorly conserved position in the protein, it is predicted to be benign by multiple in silico algorithms, and/or has population frequency not consistent with disease.

Breakthrough Genomics
Classification: Benign. Review status: criteria provided, single submitter. Criteria: ACMG Guidelines, 2015. Collection method: not provided. Allele origin: germline. Inheritance: Autosomal recessive inheritance. Affected: yes.